The following is an entry in ClinVar:

NM_004168.4(SDHA):c.1065-15G>A

Gene: SDHA (succinate dehydrogenase complex flavoprotein subunit A; plus strand). Cytogenetic location: 5p15.33.
Variant type: single nucleotide variant.
Coding change: c.1065-15G>A on transcript NM_004168.4 (MANE Select); 15 bases into the intron before coding-DNA position 1065, G replaced by A.
Molecular consequence: intron variant.
Genome position (GRCh38, 1-based): chr5:235,129, G>A. VCF-style: chr5-235129-G-A. GRCh37 (hg19) VCF-style: chr5-235244-G-A.
Other names: c.1065-15G>A (NM_001330758.2); c.921-15G>A (NM_001294332.2).
Identifiers: ClinVar variation 3904363 (VCV003904363.2).

ClinVar aggregate classification (germline): Likely benign. Review status: criteria provided, multiple submitters, no conflicts (2 of 4 stars). 2 submissions from 2 submitters: Likely benign (2). Last evaluated 2025-08-10.

Conditions:
Pheochromocytoma/paraganglioma syndrome 5. Also called: Paragangliomas 5; SDHA-Related Hereditary Paraganglioma-Pheochromocytoma Syndrome. Identifiers: Orphanet 29072, MedGen C3279992, MONDO:0013602, OMIM 614165.
Mitochondrial complex II deficiency, nuclear type 1. Also called: SUCCINATE CoQ REDUCTASE DEFICIENCY. Identifiers: Orphanet 3208, MedGen C5700310, MONDO:0100294, OMIM 252011.

Submissions (2):

Labcorp Genetics (formerly Invitae), Labcorp
Classification: Likely benign for Pheochromocytoma/paraganglioma syndrome 5; Mitochondrial complex II deficiency, nuclear type 1. Last evaluated: 2025-08-10. Review status: criteria provided, single submitter. Criteria: Invitae Variant Classification Sherloc (09022015). Collection method: clinical testing. Allele origin: germline.

Myriad Genetics, Inc.
Classification: Likely benign for Pheochromocytoma/paraganglioma syndrome 5. Last evaluated: 2025-03-07. Review status: criteria provided, single submitter. Criteria: Myriad Autosomal Dominant, Autosomal Recessive and X-Linked Classification Criteria (2023). Collection method: clinical testing. Allele origin: unknown.
Comment: This variant is considered likely benign. This variant is intronic and is not expected to impact mRNA splicing.